The following is an entry in ClinVar:

NM_032043.3(BRIP1):c.1140+3del

Gene: BRIP1 (BRCA1 interacting DNA helicase 1; minus strand). Cytogenetic location: 17q23.2.
Variant type: Deletion.
Coding change: c.1140+3del on transcript NM_032043.3 (MANE Select); 3 bases into the intron after coding-DNA position 1140, one base deleted (G; older notation c.1140+3delG).
Molecular consequence: intron variant.
Genome position (GRCh38, 1-based): chr17:61,801,250, C deleted on the plus strand (G on the coding strand, the reverse complement: BRIP1 is on the minus strand). VCF-style (leftmost placement, unchanged base first): chr17-61801249-TC-T. GRCh37 (hg19) VCF-style: chr17-59878610-TC-T.
Other names: c.1140+3delG (NM_032043.2).
Identifiers: ClinVar variation 1172141 (VCV001172141.4), dbSNP rs2145331108, ClinGen allele CA2499224806.

ClinVar aggregate classification (germline): Conflicting classifications of pathogenicity. Review status: criteria provided, conflicting classifications (1 of 4 stars). 2 submissions from 2 submitters: Likely pathogenic (1); Uncertain significance (1). Last evaluated 2021-06-16.

Conditions:
Hereditary cancer-predisposing syndrome. Also called: Tumor predisposition; Hereditary neoplastic syndrome; Hereditary Cancer Syndrome; Neoplastic Syndromes, Hereditary. Identifiers: Orphanet 140162, MedGen C0027672, MeSH D009386, MONDO:0015356.

Allele frequency attached by ClinVar (database versions not stated): gnomAD exomes below 0.00001.

Submissions (2):

Ambry Genetics
Classification: Likely pathogenic for Hereditary cancer-predisposing syndrome. Last evaluated: 2021-06-16. Review status: criteria provided, single submitter. Criteria: Ambry Variant Classification Scheme 2023. Collection method: clinical testing. Allele origin: germline.
Comment: The c.1140+3delG intronic variant, located in intron 7 of the BRIP1 gene, results from a deletion of one nucleotide within intron 7 of the BRIP1 gene. This nucleotide position is not well conserved in available vertebrate species. In silico splice site analysis predicts that this alteration will weaken the native splice donor site. RNA studies have demonstrated that this alteration results in abnormal splicing in the set of samples tested (Ambry internal data). Based on the majority of available evidence to date, this variant is likely to be pathogenic.

Color Diagnostics, LLC DBA Color Health
Classification: Uncertain significance for Hereditary cancer-predisposing syndrome. Last evaluated: 2020-12-15. Review status: criteria provided, single submitter. Criteria: ACMG Guidelines, 2015. Collection method: clinical testing. Allele origin: germline.
Comment: This variant causes a deletion at the +3 position of intron 8 of the BRIP1 gene. Splice site prediction tools suggest that this variant may have a significant impact on RNA splicing. However, this prediction has not been confirmed in published RNA studies. To our knowledge, this variant has not been reported in individuals affected with hereditary cancer in the literature. This variant has not been identified in the general population by the Genome Aggregation Database (gnomAD). The available evidence is insufficient to determine the role of this variant in disease conclusively. Therefore, this variant is classified as a Variant of Uncertain Significance.